The following is an entry in ClinVar:

NM_181552.4(CUX1):c.3946_3947delinsAA (p.Ala1316Lys)

Gene: CUX1 (cut like homeobox 1; plus strand). Cytogenetic location: 7q22.1.
Variant type: Indel.
Coding change: c.3946_3947delinsAA on transcript NM_181552.4 (MANE Select); coding-DNA positions 3946 to 3947, GC replaced by AA.
Protein change: p.Ala1316Lys; replaces alanine 1316 with lysine.
Molecular consequence: missense variant. On other transcripts: intron variant (5).
Genome position (GRCh38, 1-based): chr7:102,248,470-102,248,471, GC replaced by AA. VCF-style: chr7-102248470-GC-AA. GRCh37 (hg19) VCF-style: chr7-101891750-GC-AA.
Other names: c.3979_3980delinsAA, p.Ala1327Lys (NM_001202543.2); c.1256-24896_1256-24895delinsAA (NM_001913.5); c.1250-24896_1250-24895delinsAA (NM_181500.4); c.1118-24896_1118-24895delinsAA (NM_001202545.3); c.1208-24896_1208-24895delinsAA (NM_001202544.3); c.1139-24896_1139-24895delinsAA (NM_001202546.3); short protein forms A1316K, A1327K.
Identifiers: ClinVar variation 3367223 (VCV003367223.1).
Genomic context (GRCh38, chr7:102,248,470, plus strand): 5'-AGGTCTCGGATCCGCAGAGAACTGTTCATTGAGGAAATTCAGGCCGGGAGTCAGGGCCAG[GC>AA]GGGCGCCAGCGACTCACCCTCGGCCCGCAGCGGCCGGGCGGCGCCCAGCTCGGAGGGCGA-3'
Protein context (NP_853530.2, residues 1306-1326): EEIQAGSQGQ[Ala1316Lys]GASDSPSARS

ClinVar aggregate classification (germline): Uncertain significance (1 of 4 stars; one submission).

Submission:

GeneDx
Classification: Uncertain significance. Last evaluated: 2023-12-26. Review status: criteria provided, single submitter. Criteria: GeneDx Variant Classification Process June 2021. Collection method: clinical testing. Allele origin: germline. Affected: yes.
Comment: Not observed at significant frequency in large population cohorts (gnomAD); In silico analysis supports a deleterious effect on protein structure/function; Has not been previously published as pathogenic or benign to our knowledge